The following is an entry in ClinVar:

ClinVar aggregate classification (germline): Uncertain significance. Review status: criteria provided, multiple submitters, no conflicts (2 of 4 stars). 4 submissions from 3 submitters: Uncertain significance (4). Last evaluated 2023-03-08.

Conditions:
Hypophosphatemic rickets, autosomal recessive, 2 (ARHR2). Identifiers: Orphanet 289176, MedGen C2750078, MONDO:0013219, OMIM 613312.
Arterial calcification, generalized, of infancy, 1 (GACI1). Also called: Idiopathic Infantile Arterial Calcification. Identifiers: Orphanet 51608, MedGen C4551985, MONDO:0008817, OMIM 208000.

Allele frequency attached by ClinVar (database versions not stated): ExAC 0.00001.
gnomAD v4.1: 8 of 1,610,224 alleles (0.0005%); highest among the groups gnomAD compares: Non-Finnish European, 0.00068%; no homozygotes.

Submissions (4):

Labcorp Genetics (formerly Invitae), Labcorp
Classification: Uncertain significance. Last evaluated: 2023-03-08. Review status: criteria provided, single submitter. Criteria: Invitae Variant Classification Sherloc (09022015). Collection method: clinical testing. Allele origin: germline.
Comment: Advanced modeling of protein sequence and biophysical properties (such as structural, functional, and spatial information, amino acid conservation, physicochemical variation, residue mobility, and thermodynamic stability) performed at Invitae indicates that this missense variant is not expected to disrupt ENPP1 protein function. This sequence change replaces asparagine, which is neutral and polar, with tyrosine, which is neutral and polar, at codon 731 of the ENPP1 protein (p.Asn731Tyr). This variant is present in population databases (rs748292010, gnomAD 0.002%). This variant has not been reported in the literature in individuals affected with ENPP1-related conditions. ClinVar contains an entry for this variant (Variation ID: 907409). In summary, the available evidence is currently insufficient to determine the role of this variant in disease. Therefore, it has been classified as a Variant of Uncertain Significance.

Illumina Laboratory Services, Illumina
Classification: Uncertain significance for Hypophosphatemic rickets, autosomal recessive, 2. Last evaluated: 2018-01-13. Review status: criteria provided, single submitter. Criteria: ICSL Variant Classification Criteria 13 December 2019. Collection method: clinical testing. Allele origin: germline.

Illumina Laboratory Services, Illumina
Classification: Uncertain significance for Arterial calcification, generalized, of infancy, 1. Last evaluated: 2018-01-13. Review status: criteria provided, single submitter. Criteria: ICSL Variant Classification Criteria 13 December 2019. Collection method: clinical testing. Allele origin: germline.

Breakthrough Genomics
Classification: Uncertain significance. Review status: criteria provided, single submitter. Criteria: ACMG Guidelines, 2015. Collection method: not provided. Allele origin: germline. Inheritance: Autosomal recessive inheritance. Affected: yes.

NM_006208.3(ENPP1):c.2191A>T (p.Asn731Tyr)

Gene: ENPP1 (ectonucleotide pyrophosphatase/phosphodiesterase 1; plus strand). Cytogenetic location: 6q23.2.
Variant type: single nucleotide variant.
Coding change: c.2191A>T on transcript NM_006208.3 (MANE Select); coding-DNA position 2191, A replaced by T.
Protein change: p.Asn731Tyr; replaces asparagine 731 with tyrosine.
Molecular consequence: missense variant.
Genome position (GRCh38, 1-based): chr6:131,882,435, A>T. VCF-style: chr6-131882435-A-T. GRCh37 (hg19) VCF-style: chr6-132203575-A-T.
Other names: short protein forms N731Y.
Identifiers: ClinVar variation 907409 (VCV000907409.8), dbSNP rs748292010, ClinGen allele CA4002448.